The following is an entry in ClinVar:

ClinVar aggregate classification (germline): Benign. Review status: criteria provided, multiple submitters, no conflicts (2 of 4 stars). 8 submissions from 6 submitters: Benign (8). Last evaluated 2026-01-25.

Conditions:
Hereditary spherocytosis type 3. Also called: SPTA1-Related Spherocytosis; Spherocytosis type 3. Identifiers: Orphanet 822, MedGen C2678338, MONDO:0010053, OMIM 270970.
Elliptocytosis 2 (EL2). Also called: ELLIPTOCYTOSIS, RHESUS-UNLINKED TYPE. Identifiers: Orphanet 288, MedGen C1851741, MONDO:0007533, OMIM 130600.
Pyropoikilocytosis, hereditary. Also called: Pyropoikilocytosis. Identifiers: MedGen C0520739, MONDO:0009948, OMIM 266140, HP:0004839. Disease mechanism: loss of function.

Allele frequency attached by ClinVar (database versions not stated): gnomAD exomes 0.00847 and 0.00332; gnomAD 0.03238 and 0.03494; ExAC 0.00992; 1000 Genomes Project 0.03514; ESP Exome Variant Server 0.03547; TOPMed 0.03691; 1000 Genomes Project 30x 0.03857.
gnomAD v4.1: 10,001 of 1,613,692 alleles (0.62%); highest among the groups gnomAD compares: African/African-American, 12%; 512 homozygotes.

Submissions (8):

Labcorp Genetics (formerly Invitae), Labcorp
Classification: Benign. Last evaluated: 2026-01-25. Review status: criteria provided, single submitter. Criteria: Invitae Variant Classification Sherloc (09022015). Collection method: clinical testing. Allele origin: germline.

ARUP Laboratories, Molecular Genetics and Genomics, ARUP Laboratories
Classification: Benign. Last evaluated: 2025-06-19. Review status: criteria provided, single submitter. Criteria: ARUP Molecular Germline Variant Investigation Process 2024. Collection method: clinical testing. Allele origin: germline.

Illumina Laboratory Services, Illumina
Classification: Benign for Pyropoikilocytosis, hereditary. Last evaluated: 2018-01-13. Review status: criteria provided, single submitter. Criteria: ICSL Variant Classification Criteria 13 December 2019. Collection method: clinical testing. Allele origin: germline.
Comment: This variant was observed in the ICSL laboratory as part of a predisposition screen in an ostensibly healthy population. It had not been previously curated by ICSL or reported in the Human Gene Mutation Database (HGMD: prior to June 1st, 2018), and was therefore a candidate for classification through an automated scoring system. Utilizing variant allele frequency, disease prevalence and penetrance estimates, and inheritance mode, an automated score was calculated to assess if this variant is too frequent to cause the disease. Based on the score and internal cut-off values, a variant classified as benign is not then subjected to further curation. The score for this variant resulted in a classification of benign for this disease.

Illumina Laboratory Services, Illumina
Classification: Benign for Elliptocytosis 2. Last evaluated: 2018-01-13. Review status: criteria provided, single submitter. Criteria: ICSL Variant Classification Criteria 13 December 2019. Collection method: clinical testing. Allele origin: germline.
Comment: the same text as in the submission from Illumina Laboratory Services, Illumina above.

Illumina Laboratory Services, Illumina
Classification: Benign for Hereditary spherocytosis type 3. Last evaluated: 2018-01-13. Review status: criteria provided, single submitter. Criteria: ICSL Variant Classification Criteria 13 December 2019. Collection method: clinical testing. Allele origin: germline.
Comment: the same text as in the submission from Illumina Laboratory Services, Illumina above.

Mayo Clinic Laboratories, Mayo Clinic
Classification: Benign. Last evaluated: 2017-08-17. Review status: criteria provided, single submitter. Criteria: ACMG Guidelines, 2015. Collection method: clinical testing. Allele origin: germline. Observed: 104 variant alleles.

Breakthrough Genomics
Classification: Benign. Review status: criteria provided, single submitter. Criteria: ACMG Guidelines, 2015. Collection method: not provided. Allele origin: germline. Inheritance: Autosomal recessive inheritance. Affected: yes.

PreventionGenetics, part of Exact Sciences
Classification: Benign. Review status: criteria provided, single submitter. Criteria: ACMG Guidelines, 2015. Collection method: clinical testing. Allele origin: germline.

NM_003126.4(SPTA1):c.867T>C (p.Ser289=)

Gene: SPTA1 (spectrin alpha, erythrocytic 1; minus strand). Cytogenetic location: 1q23.1.
Variant type: single nucleotide variant.
Coding change: c.867T>C on transcript NM_003126.4 (MANE Select); coding-DNA position 867, T replaced by C.
Protein change: p.Ser289=; no amino-acid change (serine 289 retained).
Molecular consequence: synonymous variant.
Genome position (GRCh38, 1-based): chr1:158,677,780, A>G on the plus strand (T>C on the coding strand, the complement: SPTA1 is on the minus strand). VCF-style: chr1-158677780-A-G. GRCh37 (hg19) VCF-style: chr1-158647570-A-G.
Other names: p.Ser289=.
Identifiers: ClinVar variation 258960 (VCV000258960.30), dbSNP rs12083637, ClinGen allele CA1183985.
Genomic context (GRCh38, chr1:158,677,780, plus strand): 5'-AAGTCCCTTGTGACTGTGAAACAGTCCTTCAGAGGCAACAAGGTCTTTGCCATAGTCCTC[A>G]GAGGTGAGTACAGGTTCCTTCTCCTTGATCCACTGGATGGCTTCAGTCACATCCCTGCAG-3'
Protein context (NP_003117.2, residues 279-299): WIKEKEPVLT[Ser289=]EDYGKDLVAS